The following is an entry in ClinVar:

ClinVar aggregate classification (germline): Uncertain significance. Review status: criteria provided, single submitter (1 of 4 stars). 2 submissions from 2 submitters: Uncertain significance (1). 1 of the submissions does not count toward it. Last evaluated 2022-08-16.

Conditions:
Retinitis pigmentosa 25 (RP25). Identifiers: Orphanet 791, MedGen C1864446, MONDO:0011272, OMIM 602772.

Allele frequency attached by ClinVar (database versions not stated): TOPMed 0.00007.
gnomAD v4.1: 6 of 1,547,978 alleles (0.00039%); highest among the groups gnomAD compares: Admixed American, 0.0099%; no homozygotes.

Submissions (2):

Labcorp Genetics (formerly Invitae), Labcorp
Classification: Uncertain significance. Last evaluated: 2022-08-16. Review status: criteria provided, single submitter. Criteria: Invitae Variant Classification Sherloc (09022015). Collection method: clinical testing. Allele origin: germline.
Comment: This sequence change replaces arginine, which is basic and polar, with serine, which is neutral and polar, at codon 2417 of the EYS protein (p.Arg2417Ser). This variant is present in population databases (no rsID available, gnomAD 0.01%). This variant has not been reported in the literature in individuals affected with EYS-related conditions. ClinVar contains an entry for this variant (Variation ID: 937779). Algorithms developed to predict the effect of missense changes on protein structure and function output the following: SIFT: "Tolerated"; PolyPhen-2: "Benign"; Align-GVGD: "Class C0". The serine amino acid residue is found in multiple mammalian species, which suggests that this missense change does not adversely affect protein function. In summary, the available evidence is currently insufficient to determine the role of this variant in disease. Therefore, it has been classified as a Variant of Uncertain Significance.

Natera, Inc.
Classification: Uncertain significance for Retinitis pigmentosa type 25. Last evaluated: 2020-06-17. Review status: no assertion criteria provided. Collection method: clinical testing. Allele origin: germline. Not counted in ClinVar's aggregate classification.

NM_001142800.2(EYS):c.7251G>T (p.Arg2417Ser)

Gene: EYS (eyes shut homolog; minus strand). Cytogenetic location: 6q12.
Variant type: single nucleotide variant.
Coding change: c.7251G>T on transcript NM_001142800.2 (MANE Select); coding-DNA position 7251, G replaced by T.
Protein change: p.Arg2417Ser; replaces arginine 2417 with serine.
Molecular consequence: missense variant.
Genome position (GRCh38, 1-based): chr6:63,806,350, C>A on the plus strand (G>T on the coding strand, the complement: EYS is on the minus strand). VCF-style: chr6-63806350-C-A. GRCh37 (hg19) VCF-style: chr6-64516243-C-A.
Other names: c.7251G>T, p.Arg2417Ser (NM_001292009.2); short protein forms R2417S.
Identifiers: ClinVar variation 937779 (VCV000937779.7), dbSNP rs572836860, ClinGen allele CA364388319.